The following is an entry in ClinVar:

ClinVar aggregate classification (germline): Pathogenic. Review status: criteria provided, multiple submitters, no conflicts (2 of 4 stars). 2 submissions from 2 submitters: Pathogenic (2). Last evaluated 2026-07-31.

Conditions:
SLC34A2-related disorder. Also called: SLC34A2-related condition.

Allele frequency attached by ClinVar (database versions not stated): gnomAD 0.00001; TOPMed 0.00001; ExAC 0.00002; gnomAD exomes 0.00004.
gnomAD v4.1: 60 of 1,613,932 alleles (0.0037%); highest among the groups gnomAD compares: Non-Finnish European, 0.0049%; no homozygotes.

Submissions (2):

PreventionGenetics, part of Exact Sciences
Classification: Pathogenic for SLC34A2-related condition. Last evaluated: 2026-07-31. Review status: criteria provided, single submitter. Criteria: ACMG Guidelines, 2015. Collection method: clinical testing. Allele origin: germline.
Comment: The SLC34A2 c.1238G>A variant is predicted to result in premature protein termination (p.Trp413*). This variant has been reported in the homozygous state or together with a second variant in this gene in individuals with pulmonary alveolar microlithiasis (Jönsson et al. 2019. PubMed ID: 31831582). This variant is reported in 0.0026% of alleles in individuals of European (Non-Finnish) descent in gnomAD. Nonsense variants in SLC34A2 are expected to be pathogenic. This variant is interpreted as pathogenic.

Labcorp Genetics (formerly Invitae), Labcorp
Classification: Pathogenic. Last evaluated: 2023-04-06. Review status: criteria provided, single submitter. Criteria: Invitae Variant Classification Sherloc (09022015). Collection method: clinical testing. Allele origin: germline.
Comment: This variant is present in population databases (rs766735856, gnomAD 0.003%). For these reasons, this variant has been classified as Pathogenic. Algorithms developed to predict the effect of sequence changes on RNA splicing suggest that this variant may create or strengthen a splice site. This premature translational stop signal has been observed in individual(s) with clinical features of SLC34A2-related conditions (PMID: 31831582). This sequence change creates a premature translational stop signal (p.Trp413*) in the SLC34A2 gene. It is expected to result in an absent or disrupted protein product. Loss-of-function variants in SLC34A2 are known to be pathogenic (PMID: 16960801).

Literature cited by the submitters: PubMed 31831582 (cited by Labcorp Genetics (formerly Invitae), Labcorp); PubMed 16960801 (cited by Labcorp Genetics (formerly Invitae), Labcorp).

NM_006424.3(SLC34A2):c.1238G>A (p.Trp413Ter)

Gene: SLC34A2 (solute carrier family 34 member 2; plus strand). Cytogenetic location: 4p15.2.
Variant type: single nucleotide variant.
Coding change: c.1238G>A on transcript NM_006424.3 (MANE Select); coding-DNA position 1238, G replaced by A.
Protein change: p.Trp413Ter; replaces tryptophan 413 with a stop codon.
Molecular consequence: nonsense.
Genome position (GRCh38, 1-based): chr4:25,674,317, G>A. VCF-style: chr4-25674317-G-A. GRCh37 (hg19) VCF-style: chr4-25675939-G-A.
Other names: c.1235G>A, p.Trp412Ter (NM_001177998.2, NM_001177999.2); c.1238G>A (NM_006424.2); short protein forms W412*, W413*.
Identifiers: ClinVar variation 2971449 (VCV002971449.4), dbSNP rs766735856, ClinGen allele CA2879747.